The following is an entry in ClinVar:

NM_000030.3(AGXT):c.252T>A (p.Cys84Ter)

Gene: AGXT (alanine--glyoxylate aminotransferase; plus strand). Cytogenetic location: 2q37.3.
Variant type: single nucleotide variant.
Coding change: c.252T>A on transcript NM_000030.3 (MANE Select); coding-DNA position 252, T replaced by A.
Protein change: p.Cys84Ter; replaces cysteine 84 with a stop codon.
Molecular consequence: nonsense.
Genome position (GRCh38, 1-based): chr2:240,869,256, T>A. VCF-style: chr2-240869256-T-A. GRCh37 (hg19) VCF-style: chr2-241808673-T-A.
Other names: short protein forms C84*.
Identifiers: ClinVar variation 983727 (VCV000983727.3), dbSNP rs2058978388, ClinGen allele CA351313566.

ClinVar aggregate classification (germline): Likely pathogenic (1 of 4 stars; one submission).

Conditions:
Primary hyperoxaluria, type I (HP1). Also called: GLYCOLIC ACIDURIA; HEPATIC AGT DEFICIENCY; OXALOSIS I; Primary hyperoxaluria type 1. Identifiers: Orphanet 416, Orphanet 93598, MedGen C0268164, MONDO:0009823, OMIM 259900. Disease mechanism: loss of function.

Allele frequency attached by ClinVar (database versions not stated): gnomAD exomes below 0.00001.

Submission:

Myriad Genetics, Inc.
Classification: Likely pathogenic for Primary hyperoxaluria, type I. Last evaluated: 2019-05-31. Review status: criteria provided, single submitter. Criteria: Myriad Women's Health Autosomal Recessive and X-Linked Classification Criteria (2019). Collection method: clinical testing. Allele origin: unknown.
Comment: NM_000030.2(AGXT):c.252T>A(C84*) is expected to be pathogenic in the context of primary hyperoxaluria type 1. This variant is predicted to lead to an abnormal or absent protein product due to the creation of a premature termination codon in AGXT, a gene where loss-of-function variants are known to be pathogenic. Please note: this variant was assessed in the context of healthy population screening.